The following is an entry in ClinVar:

ClinVar aggregate classification (germline): Likely benign. Review status: criteria provided, multiple submitters, no conflicts (2 of 4 stars). 2 submissions from 2 submitters: Likely benign (2). Last evaluated 2025-12-22.

Allele frequency attached by ClinVar (database versions not stated): ExAC 0.00001; gnomAD exomes 0.00002 and 0.00004; gnomAD 0.00005 and 0.00006; TOPMed 0.00005.
gnomAD v4.1: 68 of 1,613,414 alleles (0.0042%); highest among the groups gnomAD compares: Non-Finnish European, 0.0056%; no homozygotes.

Submissions (2):

Labcorp Genetics (formerly Invitae), Labcorp
Classification: Likely benign. Last evaluated: 2025-12-22. Review status: criteria provided, single submitter. Criteria: Invitae Variant Classification Sherloc (09022015). Collection method: clinical testing. Allele origin: germline.

GeneDx
Classification: Likely benign. Last evaluated: 2018-02-01. Review status: criteria provided, single submitter. Criteria: GeneDx Variant Classification (06012015). Collection method: clinical testing. Allele origin: germline. Affected: yes.
Comment: This variant is considered likely benign or benign based on one or more of the following criteria: it is a conservative change, it occurs at a poorly conserved position in the protein, it is predicted to be benign by multiple in silico algorithms, and/or has population frequency not consistent with disease.

NM_001206641.3(COA6):c.212+154A>G

Gene: COA6 (cytochrome c oxidase assembly factor 6; plus strand). Cytogenetic location: 1q42.2.
Variant type: single nucleotide variant.
Coding change: c.212+154A>G on transcript NM_001206641.3 (MANE Select); 154 bases into the intron after coding-DNA position 212, A replaced by G.
Molecular consequence: intron variant. On other transcripts: synonymous variant (1), 5 prime UTR variant (1).
Genome position (GRCh38, 1-based): chr1:234,373,832, A>G. VCF-style: chr1-234373832-A-G. GRCh37 (hg19) VCF-style: chr1-234509578-A-G.
Other names: c.114A>G, p.Thr38= (NM_001012985.2); c.-414A>G (NM_001301733.1).
Identifiers: ClinVar variation 514927 (VCV000514927.5), dbSNP rs771333728, ClinGen allele CA1460010.